The following is an entry in ClinVar:

ClinVar aggregate classification (germline): Uncertain significance. Review status: criteria provided, multiple submitters, no conflicts (2 of 4 stars). 4 submissions from 4 submitters: Uncertain significance (4). Last evaluated 2025-09-26.

Conditions:
Inborn genetic diseases. Identifiers: MedGen C0950123, MeSH D030342.
Brody myopathy. Also called: BRODY DISEASE. Identifiers: Orphanet 53347, MedGen C1832918, MONDO:0010977, OMIM 601003.

Allele frequency attached by ClinVar (database versions not stated): gnomAD 0.00003; ExAC 0.00004; gnomAD exomes 0.00004; TOPMed 0.00007; ESP Exome Variant Server 0.00015.
gnomAD v4.1: 106 of 1,613,934 alleles (0.0066%); highest among the groups gnomAD compares: Non-Finnish European, 0.0081%; no homozygotes.

Submissions (4):

Ambry Genetics
Classification: Uncertain significance for Inborn genetic diseases. Last evaluated: 2025-09-26. Review status: criteria provided, single submitter. Criteria: Ambry Variant Classification Scheme 2023. Collection method: clinical testing. Allele origin: germline.

Labcorp Genetics (formerly Invitae), Labcorp
Classification: Uncertain significance for Brody myopathy. Last evaluated: 2022-08-19. Review status: criteria provided, single submitter. Criteria: Invitae Variant Classification Sherloc (09022015). Collection method: clinical testing. Allele origin: germline.
Comment: This sequence change replaces asparagine, which is neutral and polar, with serine, which is neutral and polar, at codon 428 of the ATP2A1 protein (p.Asn428Ser). This variant is present in population databases (rs138267146, gnomAD 0.008%). This variant has not been reported in the literature in individuals affected with ATP2A1-related conditions. ClinVar contains an entry for this variant (Variation ID: 585453). Algorithms developed to predict the effect of missense changes on protein structure and function are either unavailable or do not agree on the potential impact of this missense change (SIFT: "Deleterious"; PolyPhen-2: "Probably Damaging"; Align-GVGD: "Class C0"). Algorithms developed to predict the effect of sequence changes on RNA splicing suggest that this variant may create or strengthen a splice site. In summary, the available evidence is currently insufficient to determine the role of this variant in disease. Therefore, it has been classified as a Variant of Uncertain Significance.

Athena Diagnostics
Classification: Uncertain significance. Last evaluated: 2018-04-27. Review status: criteria provided, single submitter. Criteria: Athena Diagnostics Criteria. Collection method: clinical testing. Allele origin: germline.

Illumina Laboratory Services, Illumina
Classification: Uncertain significance for Brody myopathy. Last evaluated: 2018-01-13. Review status: criteria provided, single submitter. Criteria: ICSL Variant Classification Criteria 13 December 2019. Collection method: clinical testing. Allele origin: germline.

NM_004320.6(ATP2A1):c.1283A>G (p.Asn428Ser)

Gene: ATP2A1 (ATPase sarcoplasmic/endoplasmic reticulum Ca2+ transporting 1; plus strand). Cytogenetic location: 16p11.2.
Variant type: single nucleotide variant.
Coding change: c.1283A>G on transcript NM_004320.6 (MANE Select); coding-DNA position 1283, A replaced by G.
Protein change: p.Asn428Ser; replaces asparagine 428 with serine.
Molecular consequence: missense variant.
Genome position (GRCh38, 1-based): chr16:28,894,603, A>G. VCF-style: chr16-28894603-A-G. GRCh37 (hg19) VCF-style: chr16-28905924-A-G.
Other names: c.908A>G, p.Asn303Ser (NM_001286075.2); c.1283A>G, p.Asn428Ser (NM_173201.5); short protein forms N428S, N303S.
Identifiers: ClinVar variation 585453 (VCV000585453.14), dbSNP rs138267146, ClinGen allele CA7986904.